The following is an entry in ClinVar:

ClinVar aggregate classification (germline): Uncertain significance (1 of 4 stars; one submission).

Conditions:
Acrocallosal syndrome (ACLS). Also called: HALLUX DUPLICATION, POSTAXIAL POLYDACTYLY, AND ABSENCE OF CORPUS CALLOSUM; Schinzel syndrome 1; Absence of corpus callosum with unusual facial appearance, mental deficiency, duplication of the halluces and polydactyly. Identifiers: Orphanet 36, MedGen C0796147, MONDO:0008708, OMIM 200990.

Allele frequency attached by ClinVar (database versions not stated): gnomAD exomes below 0.00001; gnomAD 0.00001; TOPMed 0.00001.
gnomAD v4.1: 3 of 1,521,362 alleles (0.0002%); highest among the groups gnomAD compares: Admixed American, 0.002%; no homozygotes.

Submission:

Labcorp Genetics (formerly Invitae), Labcorp
Classification: Uncertain significance for Acrocallosal syndrome. Last evaluated: 2022-11-01. Review status: criteria provided, single submitter. Criteria: Invitae Variant Classification Sherloc (09022015). Collection method: clinical testing. Allele origin: germline.
Comment: In summary, the available evidence is currently insufficient to determine the role of this variant in disease. Therefore, it has been classified as a Variant of Uncertain Significance. Algorithms developed to predict the effect of missense changes on protein structure and function are either unavailable or do not agree on the potential impact of this missense change (SIFT: "Deleterious"; PolyPhen-2: "Benign"; Align-GVGD: "Class C0"). ClinVar contains an entry for this variant (Variation ID: 1522352). This variant has not been reported in the literature in individuals affected with KIF7-related conditions. This variant is not present in population databases (gnomAD no frequency). This sequence change replaces alanine, which is neutral and non-polar, with serine, which is neutral and polar, at codon 5 of the KIF7 protein (p.Ala5Ser).

NM_198525.3(KIF7):c.13G>T (p.Ala5Ser)

Gene: KIF7 (kinesin family member 7; minus strand). Cytogenetic location: 15q26.1.
Variant type: single nucleotide variant.
Coding change: c.13G>T on transcript NM_198525.3 (MANE Select); coding-DNA position 13, G replaced by T.
Protein change: p.Ala5Ser; replaces alanine 5 with serine.
Molecular consequence: missense variant.
Genome position (GRCh38, 1-based): chr15:89,652,918, C>A on the plus strand (G>T on the coding strand, the complement: KIF7 is on the minus strand). VCF-style: chr15-89652918-C-A. GRCh37 (hg19) VCF-style: chr15-90196149-C-A.
Other names: short protein forms A5S.
Identifiers: ClinVar variation 1522352 (VCV001522352.6), dbSNP rs1964147870, ClinGen allele CA393781223.